The following is an entry in ClinVar:

NM_017763.6(RNF43):c.295_296del (p.Leu99fs)

Gene: RNF43 (ring finger protein 43; minus strand). Cytogenetic location: 17q22.
Variant type: Deletion.
Coding change: c.295_296del on transcript NM_017763.6 (MANE Select); coding-DNA positions 295 to 296, 2 bases deleted (CT; older notation c.295_296delCT).
Protein change: p.Leu99fs; shifts the reading frame from leucine 99.
Molecular consequence: frameshift variant.
Genome position (GRCh38, 1-based): chr17:58,370,990-58,370,991, AG deleted on the plus strand (CT on the coding strand, the reverse complement: RNF43 is on the minus strand); deleting any 2 consecutive bases within chr17:58,370,990-58,370,992 gives the same sequence; the c. name uses the placement nearest the transcript's 3' end. VCF-style (leftmost placement, unchanged base first): chr17-58370989-CAG-C. GRCh37 (hg19) VCF-style: chr17-56448350-CAG-C.
Other names: c.294_295delTC, p.Leu99Glyfs (NM_001305544.3); c.-88_-87delTC (NM_001305545.2); short protein forms L99fs.
Identifiers: ClinVar variation 3026740 (VCV003026740.22), dbSNP rs2509387175, ClinGen allele CA2740093810.

ClinVar aggregate classification (germline): Pathogenic (1 of 4 stars; one submission).

Submission:

CeGaT Center for Human Genetics Tuebingen
Classification: Pathogenic. Last evaluated: 2023-12-01. Review status: criteria provided, single submitter. Criteria: CeGaT Center For Human Genetics Tuebingen Variant Classification Criteria Version 2. Collection method: clinical testing. Allele origin: germline. Affected: yes. Observed: 1 variant allele.
Comment: RNF43: PVS1, PM2